The following is an entry in ClinVar:

NM_032383.5(HPS3):c.470_471delinsAGATCACAGAGAGGTA (p.Val157fs)

Gene: HPS3 (HPS3 biogenesis of lysosomal organelles complex 2 subunit 1; plus strand). Cytogenetic location: 3q24.
Variant type: Indel.
Coding change: c.470_471delinsAGATCACAGAGAGGTA on transcript NM_032383.5 (MANE Select); coding-DNA positions 470 to 471, TC replaced by AGATCACAGAGAGGTA.
Protein change: p.Val157fs; shifts the reading frame from valine 157.
Molecular consequence: frameshift variant. On other transcripts: intron variant (1).
Genome position (GRCh38, 1-based): chr3:149,140,256-149,140,257, TC replaced by AGATCACAGAGAGGTA. VCF-style: chr3-149140256-TC-AGATCACAGAGAGGTA. GRCh37 (hg19) VCF-style: chr3-148858043-TC-AGATCACAGAGAGGTA.
Other names: c.218-761_218-760delinsAGATCACAGAGAGGTA (NM_001308258.2); short protein forms V157fs.
Identifiers: ClinVar variation 5010701 (VCV005010701.1).

ClinVar aggregate classification (germline): Pathogenic (1 of 4 stars; one submission).

Conditions:
Hermansky-Pudlak syndrome 3 (HPS3). Identifiers: Orphanet 231512, Orphanet 79430, MedGen C3888001, MONDO:0013555, OMIM 614072.

Submission:

Myriad Genetics, Inc.
Classification: Pathogenic for Hermansky-Pudlak syndrome 3. Last evaluated: 2024-05-14. Review status: criteria provided, single submitter. Criteria: Myriad Autosomal Dominant, Autosomal Recessive and X-Linked Classification Criteria (2023). Collection method: clinical testing. Allele origin: unknown.
Comment: NM_032383.3(HPS3):c.470_471del2ins16(V157Efs*10) is expected to be pathogenic in the context of Hermansky-Pudlak syndrome, HPS3-related. This variant is predicted to lead to an abnormal or absent protein product due to the creation of a premature termination codon in HPS3, a gene where loss-of-function variants are known to be pathogenic. Please note: this variant was assessed in the context of healthy population screening.